The following is an entry in ClinVar:

NM_006496.4(GNAI3):c.509C>T (p.Thr170Ile)

Gene: GNAI3 (G protein subunit alpha i3; plus strand). Cytogenetic location: 1p13.3.
Variant type: single nucleotide variant.
Coding change: c.509C>T on transcript NM_006496.4 (MANE Select); coding-DNA position 509, C replaced by T.
Protein change: p.Thr170Ile; replaces threonine 170 with isoleucine.
Molecular consequence: missense variant.
Genome position (GRCh38, 1-based): chr1:109,582,484, C>T. VCF-style: chr1-109582484-C-T. GRCh37 (hg19) VCF-style: chr1-110125106-C-T.
Other names: short protein forms T170I.
Identifiers: ClinVar variation 725932 (VCV000725932.4), dbSNP rs61754626, ClinGen allele CA992091.
Genomic context (GRCh38, chr1:109,582,484, plus strand): 5'-GTCTTTTATTTAGTTATCTAAATGATCTGGATAGAATATCCCAGTCTAACTACATTCCAA[C>T]TCAGCAAGATGTTCTTCGGACGAGAGTGAAGACCACAGGCATTGTAGAAACACATTTCAC-3'
Protein context (NP_006487.1, residues 160-180): DRISQSNYIP[Thr170Ile]QQDVLRTRVK

ClinVar aggregate classification (germline): Likely benign. Review status: criteria provided, single submitter (1 of 4 stars). 2 submissions from 2 submitters: Likely benign (1). 1 of the submissions does not count toward it. Last evaluated 2018-01-18.

Allele frequency attached by ClinVar (database versions not stated): 1000 Genomes Project 30x 0.00016; 1000 Genomes Project 0.00020; ExAC 0.00024; gnomAD 0.00025 and 0.00026; gnomAD exomes 0.00026 and 0.00056; TOPMed 0.00026; ESP Exome Variant Server 0.00054.
gnomAD v4.1: 834 of 1,596,546 alleles (0.052%); highest among the groups gnomAD compares: Non-Finnish European, 0.069%; no homozygotes.

Submissions (2):

Labcorp Genetics (formerly Invitae), Labcorp
Classification: Likely benign. Last evaluated: 2018-01-18. Review status: criteria provided, single submitter. Criteria: Invitae Variant Classification Sherloc (09022015). Collection method: clinical testing. Allele origin: germline.

Department of Pathology and Laboratory Medicine, Sinai Health System
Classification: Uncertain significance. Review status: no assertion criteria provided. Collection method: clinical testing. Allele origin: unknown. Affected: yes. Study: The Canadian Open Genetics Repository (COGR). Not counted in ClinVar's aggregate classification.
Comment: The GNAI3 p.Thr170Ile variant was not identified in the literature nor was it identified in ClinVar or LOVD 3.0. The variant was identified in dbSNP (ID: rs61754626) and in control databases in 76 of 282828 chromosomes at a frequency of 0.0002687 (Genome Aggregation Database March 6, 2019, v2.1.1). The variant was observed in the following populations: Other in 4 of 7222 chromosomes (freq: 0.000554), European (non-Finnish) in 71 of 129140 chromosomes (freq: 0.00055) and European (Finnish) in 1 of 25122 chromosomes (freq: 0.00004), but was not observed in the African, Latino, Ashkenazi Jewish, East Asian, or South Asian populations. The p.Thr170 residue is conserved across mammals and other organisms, and computational analyses (PolyPhen-2, SIFT, AlignGVGD, BLOSUM, MutationTaster) suggest that the variant may impact the protein; however, this information is not predictive enough to assume pathogenicity. The variant occurs outside of the splicing consensus sequence and three of four in silico or computational prediction software programs (SpliceSiteFinder, MaxEntScan, NNSPLICE, GeneSplicer) do not predict a greater than 10% difference in splicing; this is not very predictive of pathogenicity. In summary, based on the above information the clinical significance of this variant cannot be determined with certainty at this time. This variant is classified as a variant of uncertain significance.